The following is an entry in ClinVar:

ClinVar aggregate classification (germline): Uncertain significance (1 of 4 stars; one submission).

Conditions:
Familial cancer of breast. Also called: BREAST CANCER, FAMILIAL; hereditary breast carcinoma; Hereditary breast cancer. Identifiers: Orphanet 227535, MedGen C0346153, MONDO:0016419, OMIM 114480. Disease mechanism: loss of function.

Submission:

Labcorp Genetics (formerly Invitae), Labcorp
Classification: Uncertain significance for Familial cancer of breast. Last evaluated: 2022-10-22. Review status: criteria provided, single submitter. Criteria: Invitae Variant Classification Sherloc (09022015). Collection method: clinical testing. Allele origin: germline.
Comment: In summary, the available evidence is currently insufficient to determine the role of this variant in disease. Therefore, it has been classified as a Variant of Uncertain Significance. Algorithms developed to predict the effect of missense changes on protein structure and function (SIFT, PolyPhen-2, Align-GVGD) all suggest that this variant is likely to be tolerated. This variant has not been reported in the literature in individuals affected with CHEK2-related conditions. This variant is not present in population databases (gnomAD no frequency). This sequence change replaces proline, which is neutral and non-polar, with histidine, which is basic and polar, at codon 522 of the CHEK2 protein (p.Pro522His).

NM_007194.4(CHEK2):c.1565C>A (p.Pro522His)

Gene: CHEK2 (checkpoint kinase 2; minus strand). Cytogenetic location: 22q12.1.
Variant type: single nucleotide variant.
Coding change: c.1565C>A on transcript NM_007194.4 (MANE Select); coding-DNA position 1565, C replaced by A.
Protein change: p.Pro522His; replaces proline 522 with histidine.
Molecular consequence: missense variant.
Genome position (GRCh38, 1-based): chr22:28,687,964, G>T on the plus strand (C>A on the coding strand, the complement: CHEK2 is on the minus strand). VCF-style: chr22-28687964-G-T. GRCh37 (hg19) VCF-style: chr22-29083952-G-T.
Other names: c.1694C>A, p.Pro565His (NM_001005735.3); c.902C>A, p.Pro301His (NM_001257387.3); c.1364C>A, p.Pro455His (NM_001349956.3); c.1478C>A, p.Pro493His (NM_145862.3); short protein forms P301H, P455H, P565H, P493H, P522H.
Identifiers: ClinVar variation 2036435 (VCV002036435.4), dbSNP rs2145738801, ClinGen allele CA411091356.
Genomic context (GRCh38, chr22:28,687,964, plus strand): 5'-ACAGCAGCACACACAGCTGGGCGCTTTGTGGTCTCGGCACCCTCGGCTTCCCCTTCACGG[G>T]GCCGCTTTCGACTAGTAGAAGGCTGAAAATAAAGGAAAATGGAGAAATGTTCAAAAGAAA-3'
Protein context (NP_009125.1, residues 512-532): LAQPSTSRKR[Pro522His]REGEAEGAET